The following is an entry in ClinVar:

ClinVar aggregate classification (germline): Uncertain significance (1 of 4 stars; one submission).

gnomAD v4.1: 44 of 1,614,160 alleles (0.0027%); highest among the groups gnomAD compares: East Asian, 0.0045%; no homozygotes.

Submission:

Labcorp Genetics (formerly Invitae), Labcorp
Classification: Uncertain significance. Last evaluated: 2024-08-22. Review status: criteria provided, single submitter. Criteria: Invitae Variant Classification Sherloc (09022015). Collection method: clinical testing. Allele origin: germline.
Comment: This sequence change replaces glutamic acid, which is acidic and polar, with glutamine, which is neutral and polar, at codon 370 of the BLK protein (p.Glu370Gln). This variant is present in population databases (rs757431553, gnomAD 0.05%). This variant has not been reported in the literature in individuals affected with BLK-related conditions. An algorithm developed to predict the effect of missense changes on protein structure and function (PolyPhen-2) suggests that this variant is likely to be disruptive. In summary, the available evidence is currently insufficient to determine the role of this variant in disease. Therefore, it has been classified as a Variant of Uncertain Significance.

NM_001715.3(BLK):c.1108G>C (p.Glu370Gln)

Gene: BLK (BLK proto-oncogene, Src family tyrosine kinase). Cytogenetic location: 8p23.1.
Variant type: single nucleotide variant.
Coding change: c.1108G>C on transcript NM_001715.3 (MANE Select); coding-DNA position 1108, G replaced by C.
Protein change: p.Glu370Gln; replaces glutamic acid 370 with glutamine.
Molecular consequence: missense variant.
Genome position (GRCh38, 1-based): chr8:11,561,380, G>C. VCF-style: chr8-11561380-G-C. GRCh37 (hg19) VCF-style: chr8-11418889-G-C.
Other names: c.895G>C, p.Glu299Gln (NM_001330465.2); short protein forms E299Q, E370Q.
Identifiers: ClinVar variation 3609579 (VCV003609579.2).
Genomic context (GRCh38, chr8:11,561,380, plus strand): 5'-TACATTGAGCGCATGAATTCCATCCACCGCGACCTGCGGGCGGCCAACATCCTGGTGTCT[G>C]AGGCCTTGTGCTGCAAAATTGCTGATTTTGGCTTGGCTCGAATCATCGACAGTGAATACA-3'
Protein context (NP_001706.2, residues 360-380): DLRAANILVS[Glu370Gln]ALCCKIADFG